The following is an entry in ClinVar:

NM_001199397.3(NEK1):c.1573C>A (p.Gln525Lys)

Gene: NEK1 (NIMA related kinase 1; minus strand). Cytogenetic location: 4q33.
Variant type: single nucleotide variant.
Coding change: c.1573C>A on transcript NM_001199397.3 (MANE Select); coding-DNA position 1573, C replaced by A.
Protein change: p.Gln525Lys; replaces glutamine 525 with lysine.
Molecular consequence: missense variant. On other transcripts: non-coding transcript variant (1).
Genome position (GRCh38, 1-based): chr4:169,537,901, G>T on the plus strand (C>A on the coding strand, the complement: NEK1 is on the minus strand). VCF-style: chr4-169537901-G-T. GRCh37 (hg19) VCF-style: chr4-170459052-G-T.
Other names: c.1441C>A, p.Gln481Lys (NM_001199398.3, NM_001199400.3); c.1366C>A, p.Gln456Lys (NM_001199399.3); c.1573C>A, p.Gln525Lys (NM_001374418.1, NM_001374419.1, NM_012224.4); c.1522C>A, p.Gln508Lys (NM_001374420.1); c.1447C>A, p.Gln483Lys (NM_001374421.1); short protein forms Q456K, Q525K, Q508K, Q481K, Q483K.
Identifiers: ClinVar variation 2904272 (VCV002904272.3), dbSNP rs770541681, ClinGen allele CA3137693.

ClinVar aggregate classification (germline): Uncertain significance (1 of 4 stars; one submission).

Conditions:
Short-rib thoracic dysplasia 6 with or without polydactyly (SRTD6). Also called: POLYDACTYLY WITH NEONATAL CHONDRODYSTROPHY, TYPE II; SHORT RIB-POLYDACTYLY SYNDROME, TYPE IIA; Majewski Syndrome; SHORT-RIB THORACIC DYSPLASIA 6 WITH POLYDACTYLY; SHORT-RIB THORACIC DYSPLASIA 6 WITHOUT POLYDACTYLY. Identifiers: MedGen C0024507, MONDO:0009894, OMIM 263520.

Allele frequency attached by ClinVar (database versions not stated): gnomAD 0.00001; ExAC 0.00002; TOPMed 0.00003.
gnomAD v4.1: 26 of 1,597,694 alleles (0.0016%); highest among the groups gnomAD compares: Non-Finnish European, 0.0021%; no homozygotes.

Submission:

Labcorp Genetics (formerly Invitae), Labcorp
Classification: Uncertain significance for Short-rib thoracic dysplasia 6 with or without polydactyly. Last evaluated: 2025-09-18. Review status: criteria provided, single submitter. Criteria: Invitae Variant Classification Sherloc (09022015). Collection method: clinical testing. Allele origin: germline.
Comment: This sequence change replaces glutamine, which is neutral and polar, with lysine, which is basic and polar, at codon 525 of the NEK1 protein (p.Gln525Lys). This variant is present in population databases (rs770541681, gnomAD 0.003%). This variant has not been reported in the literature in individuals affected with NEK1-related conditions. ClinVar contains an entry for this variant (Variation ID: 2904272). Invitae Evidence Modeling of protein sequence and biophysical properties (such as structural, functional, and spatial information, amino acid conservation, physicochemical variation, residue mobility, and thermodynamic stability) indicates that this missense variant is not expected to disrupt NEK1 protein function with a negative predictive value of 80%. In summary, the available evidence is currently insufficient to determine the role of this variant in disease. Therefore, it has been classified as a Variant of Uncertain Significance.